The following is an entry in ClinVar:

ClinVar aggregate classification (germline): Uncertain significance (1 of 4 stars; one submission).

Conditions:
Hypertrophic cardiomyopathy 19. Also called: Familial hypertrophic cardiomyopathy 19. Identifiers: MedGen CN077603, MONDO:0013476.

Submission:

Labcorp Genetics (formerly Invitae), Labcorp
Classification: Uncertain significance for Familial hypertrophic cardiomyopathy 19. Last evaluated: 2018-10-18. Review status: criteria provided, single submitter. Criteria: Invitae Variant Classification Sherloc (09022015). Collection method: clinical testing. Allele origin: germline.
Comment: This variant is a gross duplication of the genomic region encompassing exons 1-7 of the CALR3 gene. The 5' end of this event is unknown as it extends beyond the assayed region for this gene and therefore may encompass additional genes. The 3' boundary is likely confined to intron 7 of the CALR3 gene. This variant has not been reported in the literature in individuals with a CALR3-related disease. Experimental studies and prediction algorithms are not available for this variant, and the functional significance of the duplicated amino acids is currently unknown. In summary, the exact genomic location of this variant is unknown and the impact of this duplication on CALR3 protein function has not been established. Therefore, it has been classified as a Variant of Uncertain Significance.

NC_000019.9:g.(?_16593241)_(16606960_?)dup

Gene: CALR3 (calreticulin 3; minus strand). Cytogenetic location: 19p13.11.
Variant type: Duplication.
Identifiers: ClinVar variation 471784 (VCV000471784.2).